The following is an entry in ClinVar:

ClinVar aggregate classification (germline): Conflicting classifications of pathogenicity. Review status: criteria provided, conflicting classifications (1 of 4 stars). 3 submissions from 3 submitters: Likely pathogenic (1); Likely benign (1). 1 of the submissions does not count toward it. Last evaluated 2026-01-18.

Conditions:
Finnish congenital nephrotic syndrome (NPHS1). Also called: NEPHROTIC SYNDROME, TYPE 1. Identifiers: Orphanet 839, MedGen C0403399, MONDO:0009732, OMIM 256300.

Allele frequency attached by ClinVar (database versions not stated): TOPMed 0.00003; gnomAD exomes 0.00006 and 0.00013; ExAC 0.00008; gnomAD 0.00014 and 0.00016.
gnomAD v4.1: 110 of 1,613,986 alleles (0.0068%); highest among the groups gnomAD compares: Non-Finnish European, 0.0031%; no homozygotes.

Submissions (3):

Labcorp Genetics (formerly Invitae), Labcorp
Classification: Likely benign. Last evaluated: 2026-01-18. Review status: criteria provided, single submitter. Criteria: Invitae Variant Classification Sherloc (09022015). Collection method: clinical testing. Allele origin: germline.

Laboratory of Medical Genetics, National & Kapodistrian University of Athens
Classification: Likely pathogenic for Finnish congenital nephrotic syndrome. Last evaluated: 2021-10-01. Review status: criteria provided, single submitter. Criteria: ACMG Guidelines, 2015. Collection method: clinical testing. Allele origin: unknown. Affected: yes.
Comment: PM1, PM2, PP2, PP3, PP5, BP4

Gharavi Laboratory, Columbia University
Classification: Likely pathogenic. Last evaluated: 2018-09-16. Review status: no assertion criteria provided. Criteria: ACMG Guidelines, 2015. Collection method: research. Allele origin: germline. Affected: yes. Not counted in ClinVar's aggregate classification.

NM_004646.4(NPHS1):c.559G>A (p.Val187Met)

Gene: NPHS1 (NPHS1 adhesion molecule, nephrin; minus strand). Cytogenetic location: 19q13.12.
Variant type: single nucleotide variant.
Coding change: c.559G>A on transcript NM_004646.4 (MANE Select); coding-DNA position 559, G replaced by A.
Protein change: p.Val187Met; replaces valine 187 with methionine.
Molecular consequence: missense variant.
Genome position (GRCh38, 1-based): chr19:35,850,413, C>T on the plus strand (G>A on the coding strand, the complement: NPHS1 is on the minus strand). VCF-style: chr19-35850413-C-T. GRCh37 (hg19) VCF-style: chr19-36341315-C-T.
Other names: short protein forms V187M.
Identifiers: ClinVar variation 562259 (VCV000562259.9), dbSNP rs199646884, ClinGen allele CA9390760.
Genomic context (GRCh38, chr19:35,850,413, plus strand): 5'-AGTTTCCACACCTGGCTGTGGCCTCCACAGTGAAGAGTTTCTGCTGGGAGCCCTCGTTCA[C>T]GTTTGCAGAGATGTCAGATATTGTCTGTCCACCTTGGGGCAGCAAGAGGGCTAGAGGGGT-3'
Protein context (NP_004637.1, residues 177-197): GQTISDISAN[Val187Met]NEGSQQKLFT